The following is an entry in ClinVar:

NM_001283009.2(RTEL1):c.3499+5_3499+6insT

Genes: RTEL1 (regulator of telomere elongation helicase 1; plus strand), RTEL1-TNFRSF6B (RTEL1-TNFRSF6B readthrough (NMD candidate); plus strand). Cytogenetic location: 20q13.33.
Variant type: Insertion.
Coding change: c.3499+5_3499+6insT on transcript NM_001283009.2 (MANE Select); bases 5 to 6 of the intron after coding-DNA position 3499, T inserted.
Molecular consequence: intron variant.
Genome position: GRCh38 VCF-style: chr20-63695226-G-GT. GRCh37 (hg19) VCF-style: chr20-62326579-G-GT.
Other names: c.2830+5_2830+6insT (NM_001283010.1); c.3571+5_3571+6insT (NM_032957.5); c.3499+5_3499+6insT (NM_016434.4).
Identifiers: ClinVar variation 1692632 (VCV001692632.1), dbSNP rs2145478219, ClinGen allele CA2573157227.
Genomic context (GRCh38, chr20:63,695,226, plus strand): 5'-CCAGGAGGAGAGGCTTGCCGTGCCTCCTGTGCTTACCCACAGGGCTCCCCAACCAGGTAG[G>GT]GCACCTGCCTGGCTGCTCCTGGCAGCGCCCCAACCGCACGCAGCCCTGGGAGTGAGCAGC-3'

ClinVar aggregate classification (germline): Uncertain significance (1 of 4 stars; one submission).

Conditions:
Dyskeratosis congenita. Identifiers: Orphanet 1775, MedGen C0265965, MONDO:0015780.

Submission:

Sema4
Classification: Uncertain significance for Dyskeratosis congenita. Last evaluated: 2021-11-09. Review status: criteria provided, single submitter. Criteria: Sema4 Curation Guidelines. Collection method: curation. Allele origin: germline.
Comment: The RTEL1 c.3499+5_3499+6insT variant has not been reported in the literature to our knowledge. It was not observed in the large and broad cohorts of the Genome Aggregation Database (PMID: 32461654), nor in ClinVar. The evidence is insufficient to meet ACMG/AMP criteria for classifying the variant as benign or pathogenic. Thus, the clinical significance of this variant is currently uncertain.